The following is an entry in ClinVar:

ClinVar aggregate classification (germline): Uncertain significance (1 of 4 stars; one submission).

gnomAD v4.1: 3 of 1,614,072 alleles (0.00019%); highest among the groups gnomAD compares: East Asian, 0.0067%; no homozygotes.

Submission:

Women's Health and Genetics/Laboratory Corporation of America, LabCorp
Classification: Uncertain significance. Last evaluated: 2025-07-01. Review status: criteria provided, single submitter. Criteria: LabCorp Variant Classification Summary - May 2015. Collection method: clinical testing. Allele origin: germline.
Comment: Variant summary: EYS c.228G>C (p.Gln76His) results in a non-conservative amino acid change in the encoded protein sequence. Algorithms developed to predict the effect of missense changes on protein structure and function are either unavailable or do not agree on the potential impact of this missense change. The variant was absent in 251148 control chromosomes (gnomAD). The available data on variant occurrences in the general population are insufficient to allow any conclusion about variant significance. c.228G>C has been observed in an individual affected with an inherited retinal disease (Arai_2015). These data do not allow any conclusion about variant significance. To our knowledge, no experimental evidence demonstrating an impact on protein function has been reported. The following publication has been ascertained in the context of this evaluation (PMID: 26161267). No submitters have cited clinical-significance assessments for this variant to ClinVar. Based on the evidence outlined above, the variant was classified as uncertain significance.

Literature cited by the submitters: PubMed 26161267.

NM_001142800.2(EYS):c.228G>C (p.Gln76His)

Gene: EYS (EGF-like photoreceptor maintenance factor; minus strand). Cytogenetic location: 6q12.
Variant type: single nucleotide variant.
Coding change: c.228G>C on transcript NM_001142800.2 (MANE Select); coding-DNA position 228, G replaced by C.
Protein change: p.Gln76His; replaces glutamine 76 with histidine.
Molecular consequence: missense variant.
Genome position (GRCh38, 1-based): chr6:65,495,183, C>G on the plus strand (G>C on the coding strand, the complement: EYS is on the minus strand). VCF-style: chr6-65495183-C-G. GRCh37 (hg19) VCF-style: chr6-66205076-C-G.
Other names: c.228G>C, p.Gln76His (NM_001142801.2, NM_001292009.2, NM_198283.2); short protein forms Q76H.
Identifiers: ClinVar variation 3911994 (VCV003911994.2).